The following is an entry in ClinVar:

ClinVar aggregate classification (germline): Likely benign (0 of 4 stars; one submission).

Conditions:
SCNN1B-related disorder. Also called: SCNN1B-related condition.

Allele frequency attached by ClinVar (database versions not stated): gnomAD exomes below 0.00001; gnomAD 0.00001; TOPMed 0.00001; 1000 Genomes Project 30x 0.00016; 1000 Genomes Project 0.00020.
gnomAD v4.1: 3 of 1,614,056 alleles (0.00019%); highest among the groups gnomAD compares: East Asian, 0.0045%; no homozygotes.

Submission:

PreventionGenetics, part of Exact Sciences
Classification: Likely benign for SCNN1B-related condition. Last evaluated: 2019-11-12. Review status: no assertion criteria provided. Collection method: clinical testing. Allele origin: germline.
Comment: This variant is classified as likely benign based on ACMG/AMP sequence variant interpretation guidelines (Richards et al. 2015 PMID: 25741868, with internal and published modifications).

NM_000336.3(SCNN1B):c.1275T>C (p.His425=)

Gene: SCNN1B (sodium channel epithelial 1 subunit beta; plus strand). Cytogenetic location: 16p12.2.
Variant type: single nucleotide variant.
Coding change: c.1275T>C on transcript NM_000336.3 (MANE Select); coding-DNA position 1275, T replaced by C.
Protein change: p.His425=; no amino-acid change (histidine 425 retained).
Molecular consequence: synonymous variant.
Genome position (GRCh38, 1-based): chr16:23,377,169, T>C. VCF-style: chr16-23377169-T-C. GRCh37 (hg19) VCF-style: chr16-23388490-T-C.
Other names: c.1167T>C, p.His389= (NM_001410900.1).
Identifiers: ClinVar variation 3046199 (VCV003046199.2), dbSNP rs200416547, ClinGen allele CA279487646.